The following is an entry in ClinVar:

NM_001349253.2(SCN11A):c.2433C>G (p.Leu811=)

Gene: SCN11A (sodium voltage-gated channel alpha subunit 11; minus strand). Cytogenetic location: 3p22.2.
Variant type: single nucleotide variant.
Coding change: c.2433C>G on transcript NM_001349253.2 (MANE Select); coding-DNA position 2433, C replaced by G.
Protein change: p.Leu811=; no amino-acid change (leucine 811 retained).
Molecular consequence: synonymous variant.
Genome position (GRCh38, 1-based): chr3:38,894,935, G>C on the plus strand (C>G on the coding strand, the complement: SCN11A is on the minus strand). VCF-style: chr3-38894935-G-C. GRCh37 (hg19) VCF-style: chr3-38936426-G-C.
Other names: c.2433C>G, p.Leu811= (NM_014139.3).
Identifiers: ClinVar variation 474703 (VCV000474703.25), dbSNP rs377615513, ClinGen allele CA2322036.

ClinVar aggregate classification (germline): Likely benign. Review status: criteria provided, multiple submitters, no conflicts (2 of 4 stars). 6 submissions from 6 submitters: Likely benign (4). 2 of the submissions do not count toward it. Last evaluated 2025-12-05.

Conditions:
Inborn genetic diseases. Identifiers: MedGen C0950123, MeSH D030342.
SCN11A-related disorder. Also called: SCN11A-related condition.
Hereditary sensory and autonomic neuropathy type 7. Also called: Neuropathy, hereditary sensory and autonomic, type VII; HSAN VII. Identifiers: Orphanet 391397, MedGen C3809882, MONDO:0014244, OMIM 615548.
Familial episodic pain syndrome with predominantly lower limb involvement. Also called: Episodic pain syndrome, familial, 3. Identifiers: Orphanet 391384, Orphanet 391392, MedGen C3809899, MONDO:0014247, OMIM 615552.

Allele frequency attached by ClinVar (database versions not stated): ESP Exome Variant Server 0.00008; gnomAD 0.00012; gnomAD exomes 0.00017; TOPMed 0.00017; ExAC 0.00019.
gnomAD v4.1: 357 of 1,612,722 alleles (0.022%); highest among the groups gnomAD compares: South Asian, 0.03%; 1 homozygote.

Submissions (6):

PreventionGenetics, part of Exact Sciences
Classification: Likely benign for SCN11A-related condition. Last evaluated: 2025-12-05. Review status: criteria provided, single submitter. Criteria: ACMG Guidelines, 2015. Collection method: clinical testing. Allele origin: germline.
Comment: This variant is classified as likely benign based on ACMG/AMP sequence variant interpretation guidelines (Richards et al. 2015 PMID: 25741868, with internal and published modifications).

Labcorp Genetics (formerly Invitae), Labcorp
Classification: Likely benign for Familial episodic pain syndrome with predominantly lower limb involvement; Hereditary sensory and autonomic neuropathy type 7. Last evaluated: 2025-12-04. Review status: criteria provided, single submitter. Criteria: Invitae Variant Classification Sherloc (09022015). Collection method: clinical testing. Allele origin: germline.

CeGaT Center for Human Genetics Tuebingen
Classification: Likely benign. Last evaluated: 2025-06-01. Review status: criteria provided, single submitter. Criteria: CeGaT Center For Human Genetics Tuebingen Variant Classification Criteria Version 2. Collection method: clinical testing. Allele origin: germline. Affected: yes. Observed: 1 variant allele.
Comment: SCN11A: BP4, BP7

Ambry Genetics
Classification: Likely benign for Inborn genetic diseases. Last evaluated: 2019-07-11. Review status: criteria provided, single submitter. Criteria: Ambry Variant Classification Scheme 2023. Collection method: clinical testing. Allele origin: germline.

Clinical Genetics, Academic Medical Center
Classification: Benign. Review status: no assertion criteria provided. Collection method: clinical testing. Allele origin: germline. Affected: yes. Study: VKGL Data-share Consensus. Not counted in ClinVar's aggregate classification.

Joint Genome Diagnostic Labs from Nijmegen and Maastricht, Radboudumc and MUMC+
Classification: Likely benign. Review status: no assertion criteria provided. Collection method: clinical testing. Allele origin: germline. Affected: yes. Study: VKGL Data-share Consensus. Not counted in ClinVar's aggregate classification.